The following is an entry in ClinVar:

ClinVar aggregate classification (germline): Pathogenic. Review status: criteria provided, multiple submitters, no conflicts (2 of 4 stars). 2 submissions from 2 submitters: Pathogenic (2). Last evaluated 2025-06-17.

Conditions:
Pheochromocytoma/paraganglioma syndrome 4. Also called: PARAGANGLIOMA, FAMILIAL MALIGNANT; PARAGANGLIOMAS, HEREDITARY EXTRAADRENAL; PHEOCHROMOCYTOMA, FAMILIAL EXTRAADRENAL; Paragangliomas 4; CAROTID BODY TUMORS AND MULTIPLE EXTRAADRENAL PHEOCHROMOCYTOMAS; SDHB-Related Hereditary Paraganglioma-Pheochromocytoma Syndrome (Paragangliomas 4). Identifiers: Orphanet 29072, MedGen C1861848, MONDO:0007273, OMIM 115310.
Gastrointestinal stromal tumor. Also called: Gastrointestinal stroma tumor; Gastrointestinal stromal tumor, somatic. Identifiers: Orphanet 44890, MedGen C0238198, MeSH D046152, MONDO:0011719, OMIM 606764, HP:0100723.
Pheochromocytoma. Also called: MAX-Related Hereditary Paraganglioma-Pheochromocytoma Syndrome. Identifiers: Orphanet 29072, MedGen C0031511, MONDO:0008233, OMIM 171300, HP:0002666.
Hereditary cancer-predisposing syndrome. Also called: Neoplastic Syndromes, Hereditary; Hereditary Cancer Syndrome; Hereditary neoplastic syndrome; Tumor predisposition. Identifiers: Orphanet 140162, MedGen C0027672, MeSH D009386, MONDO:0015356.

Submissions (2):

Labcorp Genetics (formerly Invitae), Labcorp
Classification: Pathogenic for Gastrointestinal stromal tumor; Pheochromocytoma/paraganglioma syndrome 4; Pheochromocytoma. Last evaluated: 2025-06-17. Review status: criteria provided, single submitter. Criteria: Invitae Variant Classification Sherloc (09022015). Collection method: clinical testing. Allele origin: germline.
Comment: This sequence change affects a donor splice site in intron 1 of the SDHB gene. It is expected to disrupt RNA splicing. Variants that disrupt the donor or acceptor splice site typically lead to a loss of protein function (PMID: 16199547), and loss-of-function variants in SDHB are known to be pathogenic (PMID: 19454582, 19802898). This variant is present in population databases (no rsID available, gnomAD 0.0009%). Disruption of this splice site has been observed in individuals with clinical features of SDHB-related conditions (PMID: 16317055, 16472267, 16912137, 17667967, 18419787, 19454582, 20418362, 20459544, 29386252, 30877234). ClinVar contains an entry for this variant (Variation ID: 428927). Algorithms developed to predict the effect of sequence changes on RNA splicing suggest that this variant may disrupt the consensus splice site. For these reasons, this variant has been classified as Pathogenic.

Ambry Genetics
Classification: Pathogenic for Hereditary cancer-predisposing syndrome. Last evaluated: 2022-10-19. Review status: criteria provided, single submitter. Criteria: Ambry Variant Classification Scheme 2023. Collection method: clinical testing. Allele origin: germline.
Comment: The c.72+1G>A intronic pathogenic mutation results from a G to A substitution one nucleotide after coding exon 1 of the SDHB gene. This alteration has been previously identified in an individual with extra-adrenal paragangliomas (PGL) (Burnichon N et al. J. Clin. Endocrinol. Metab. 2009 Aug; 94(8):2817-27). Two additional alterations affecting the same nucleotide position (c.72+1G>C and c.72+1G>T) have also been described in PGL cohorts (Ricketts CJ et al. Hum. Mutat. 2010 Jan; 31(1):41-51; Benn DE et al. J. Clin. Endocrinol. Metab. 2006 Mar; 91(3):827-36). In silico splice site analysis predicts that this alteration will weaken the native splice donor site. In addition to the clinical data presented in the literature, alterations that disrupt the canonical splice site are expected to cause aberrant splicing, resulting in an abnormal protein or a transcript that is subject to nonsense-mediated mRNA decay. As such, this alteration is classified as a disease-causing mutation.

Literature cited by the submitters: PubMed 16199547 (cited by Labcorp Genetics (formerly Invitae), Labcorp); PubMed 19454582 (cited by Labcorp Genetics (formerly Invitae), Labcorp and Ambry Genetics); PubMed 19802898 (cited by Labcorp Genetics (formerly Invitae), Labcorp and Ambry Genetics); PubMed 16317055 (cited by Labcorp Genetics (formerly Invitae), Labcorp and Ambry Genetics); PubMed 16472267 (cited by Labcorp Genetics (formerly Invitae), Labcorp); PubMed 16912137 (cited by Labcorp Genetics (formerly Invitae), Labcorp); PubMed 17667967 (cited by Labcorp Genetics (formerly Invitae), Labcorp); PubMed 18419787 (cited by Labcorp Genetics (formerly Invitae), Labcorp); PubMed 20418362 (cited by Labcorp Genetics (formerly Invitae), Labcorp); PubMed 20459544 (cited by Labcorp Genetics (formerly Invitae), Labcorp); PubMed 29386252 (cited by Labcorp Genetics (formerly Invitae), Labcorp); PubMed 30877234 (cited by Labcorp Genetics (formerly Invitae), Labcorp).

NM_003000.3(SDHB):c.72+1G>A

Genes: SDHB (succinate dehydrogenase complex iron sulfur subunit B; minus strand), LOC129929542 (ATAC-STARR-seq lymphoblastoid active region 277; plus strand). Cytogenetic location: 1p36.13.
Variant type: single nucleotide variant.
Coding change: c.72+1G>A on transcript NM_003000.3 (MANE Select); the canonical splice donor site of the intron after coding-DNA position 72, G replaced by A.
Molecular consequence: splice donor variant.
Genome position (GRCh38, 1-based): chr1:17,053,947, C>T on the plus strand (G>A on the coding strand, the complement: SDHB is on the minus strand). VCF-style: chr1-17053947-C-T. GRCh37 (hg19) VCF-style: chr1-17380442-C-T.
Other names: c.72+1G>A (NM_001407361.1).
Identifiers: ClinVar variation 428927 (VCV000428927.10), dbSNP rs587782703, ClinGen allele CA338230578.
Genomic context (GRCh38, chr1:17,053,947, plus strand): 5'-CAGCTCCAGGCAGTCTCTGTGGCTTTCCTGACTTTTCCCTCTCTGAGGCTCCAGGACTCA[C>T]CTGCAGGCAGGCTCCGCCAAGGGTTGTGGCCGGCAACCGGCGCCTCAAGGAGAGGGCGAC-3'